The following is an entry in ClinVar:

NC_000011.10:g.108335846del

Genes: ATM (ATM serine/threonine kinase; plus strand), C11orf65 (chromosome 11 open reading frame 65; minus strand). Cytogenetic location: 11q22.3.
Variant type: Deletion.
Molecular consequence: intron variant (on NM_001330368.2).
Genome position: GRCh38 VCF-style: chr11-108335843-AG-A. GRCh37 (hg19) VCF-style: chr11-108206570-AG-A.
Other names: c.641-26773del (NM_001330368.2); c.695-552del (NM_001351110.2).
Identifiers: ClinVar variation 3148568 (VCV003148568.1), dbSNP rs2547344882, ClinGen allele CA2825001963.
Genomic context (GRCh38, chr11:108,335,843, plus strand): 5'-GACTCTGTGTTTTTATAATAAAATAAACTGTACTTGTTTATTCATGCTTAATTATTCTGA[AG>A]GGCCGTGATGACCTGAGACAAGATGCTGTCATGCAACAGGTCTTCCAGATGTGTAATACA-3'

ClinVar aggregate classification (germline): Pathogenic (1 of 4 stars; one submission).

Conditions:
Familial cancer of breast. Also called: hereditary breast carcinoma; BREAST CANCER, FAMILIAL; Hereditary breast cancer. Identifiers: Orphanet 227535, MedGen C0346153, MONDO:0016419, OMIM 114480. Disease mechanism: loss of function.

Submission:

Myriad Genetics, Inc.
Classification: Pathogenic for Familial cancer of breast. Last evaluated: 2024-02-01. Review status: criteria provided, single submitter. Criteria: Myriad Autosomal Dominant, Autosomal Recessive and X-Linked Classification Criteria (2023). Collection method: clinical testing. Allele origin: unknown.
Comment: This variant is considered pathogenic. This variant creates a frameshift predicted to result in premature protein truncation.